The following is an entry in ClinVar:

NM_012470.4(TNPO3):c.1359-52A>G

Gene: TNPO3 (transportin 3; minus strand). Cytogenetic location: 7q32.1.
Variant type: single nucleotide variant.
Coding change: c.1359-52A>G on transcript NM_012470.4 (MANE Select); 52 bases into the intron before coding-DNA position 1359, A replaced by G.
Molecular consequence: intron variant. On other transcripts: missense variant (1), non-coding transcript variant (1).
Genome position (GRCh38, 1-based): chr7:128,990,152, T>C on the plus strand (A>G on the coding strand, the complement: TNPO3 is on the minus strand). VCF-style: chr7-128990152-T-C. GRCh37 (hg19) VCF-style: chr7-128630206-T-C.
Other names: c.1409A>G, p.Gln470Arg (NM_001382216.1); c.1215-52A>G (NM_001382221.1); c.1212-52A>G (NM_001382222.1); c.1251-52A>G (NM_001382219.1); c.1359-52A>G (NM_001382223.1, NM_001191028.3, NM_001382220.1 and 1 more transcripts); c.1440-52A>G (NM_001382217.1); short protein forms Q470R.
Identifiers: ClinVar variation 4854706 (VCV004854706.1).

ClinVar aggregate classification (germline): Uncertain significance (1 of 4 stars; one submission).

Conditions:
Autosomal dominant limb-girdle muscular dystrophy type 1F (LGMDD2). Also called: Limb-girdle muscular dystrophy, type 1F; MUSCULAR DYSTROPHY, LIMB-GIRDLE, AUTOSOMAL DOMINANT 2. Identifiers: Orphanet 55595, MedGen C1842062, MONDO:0012034, OMIM 608423.

Submission:

3billion
Classification: Uncertain significance for Autosomal dominant limb-girdle muscular dystrophy type 1F. Last evaluated: 2025-08-19. Review status: criteria provided, single submitter. Criteria: ACMG Guidelines, 2015. Collection method: clinical testing. Allele origin: germline. Affected: yes.
Comment: The variant is not observed in the gnomAD v4.1.0 dataset. Predicted Consequence/Location: Intron variant In silico tools predict the variant to alter splicing and produce an abnormal transcript [SpliceAI: 0.21 (>=0.2, moderate evidence for spliceogenicity)]. Therefore, this variant is classified as VUS according to the recommendation of ACMG/AMP guideline.